The following is an entry in ClinVar:

NM_005506.4(SCARB2):c.994+280A>G

Gene: SCARB2 (scavenger receptor class B member 2; minus strand). Cytogenetic location: 4q21.1.
Variant type: single nucleotide variant.
Coding change: c.994+280A>G on transcript NM_005506.4 (MANE Select); 280 bases into the intron after coding-DNA position 994, A replaced by G.
Molecular consequence: intron variant.
Genome position (GRCh38, 1-based): chr4:76,173,864, T>C on the plus strand (A>G on the coding strand, the complement: SCARB2 is on the minus strand). VCF-style: chr4-76173864-T-C. GRCh37 (hg19) VCF-style: chr4-77095017-T-C.
Other names: c.565+280A>G (NM_001204255.2).
Identifiers: ClinVar variation 671753 (VCV000671753.1), dbSNP rs144228170, ClinGen allele CA99890050.

ClinVar aggregate classification (germline): Likely benign (1 of 4 stars; one submission).

Allele frequency attached by ClinVar (database versions not stated): 1000 Genomes Project 30x 0.00578; 1000 Genomes Project 0.00599; gnomAD exomes 0.01073; TOPMed 0.01115; gnomAD 0.01199 and 0.01260.
gnomAD v4.1: 4,416 of 391,572 alleles (1.1%); highest among the groups gnomAD compares: Non-Finnish European, 1.5%; 34 homozygotes.

Submission:

GeneDx
Classification: Likely benign. Last evaluated: 2018-06-19. Review status: criteria provided, single submitter. Criteria: GeneDx Variant Classification (06012015). Collection method: clinical testing. Allele origin: germline. Affected: yes.
Comment: This variant is considered likely benign or benign based on one or more of the following criteria: it is a conservative change, it occurs at a poorly conserved position in the protein, it is predicted to be benign by multiple in silico algorithms, and/or has population frequency not consistent with disease.